The following is an entry in ClinVar:

NM_021619.3(PRDM12):c.620A>G (p.Asn207Ser)

Gene: PRDM12 (PR/SET domain 12; plus strand). Cytogenetic location: 9q34.12.
Variant type: single nucleotide variant.
Coding change: c.620A>G on transcript NM_021619.3 (MANE Select); coding-DNA position 620, A replaced by G.
Protein change: p.Asn207Ser; replaces asparagine 207 with serine.
Molecular consequence: missense variant.
Genome position (GRCh38, 1-based): chr9:130,678,578, A>G. VCF-style: chr9-130678578-A-G. GRCh37 (hg19) VCF-style: chr9-133553965-A-G.
Other names: short protein forms N207S.
Identifiers: ClinVar variation 849430 (VCV000849430.8), dbSNP rs756533687, ClinGen allele CA5284609.

ClinVar aggregate classification (germline): Uncertain significance. Review status: criteria provided, multiple submitters, no conflicts (2 of 4 stars). 2 submissions from 2 submitters: Uncertain significance (2). Last evaluated 2025-10-28.

Conditions:
Congenital insensitivity to pain-hypohidrosis syndrome. Also called: HSAN VIII; Neuropathy, hereditary sensory and autonomic, type VIII. Identifiers: Orphanet 478664, MedGen C4225308, MONDO:0014662, OMIM 616488.
Inborn genetic diseases. Identifiers: MedGen C0950123, MeSH D030342.

Allele frequency attached by ClinVar (database versions not stated): gnomAD exomes 0.00002 and 0.00001; TOPMed 0.00002; gnomAD 0.00002 and 0.00003; ExAC 0.00002.

Submissions (2):

Ambry Genetics
Classification: Uncertain significance for Inborn genetic diseases. Last evaluated: 2025-10-28. Review status: criteria provided, single submitter. Criteria: Ambry Variant Classification Scheme 2023. Collection method: clinical testing. Allele origin: germline.

Labcorp Genetics (formerly Invitae), Labcorp
Classification: Uncertain significance for Congenital insensitivity to pain-hypohidrosis syndrome. Last evaluated: 2022-01-14. Review status: criteria provided, single submitter. Criteria: Invitae Variant Classification Sherloc (09022015). Collection method: clinical testing. Allele origin: germline.
Comment: In summary, the available evidence is currently insufficient to determine the role of this variant in disease. Therefore, it has been classified as a Variant of Uncertain Significance. Algorithms developed to predict the effect of sequence changes on RNA splicing suggest that this variant may create or strengthen a splice site. Algorithms developed to predict the effect of missense changes on protein structure and function are either unavailable or do not agree on the potential impact of this missense change (SIFT: "Deleterious"; PolyPhen-2: "Benign"; Align-GVGD: "Class C45"). ClinVar contains an entry for this variant (Variation ID: 849430). This variant has not been reported in the literature in individuals affected with PRDM12-related conditions. This variant is present in population databases (rs756533687, gnomAD 0.01%). This sequence change replaces asparagine, which is neutral and polar, with serine, which is neutral and polar, at codon 207 of the PRDM12 protein (p.Asn207Ser).